The following is an entry in ClinVar:

NM_001734.5(C1S):c.532dup (p.Asp178fs)

Gene: C1S (complement C1s; plus strand). Cytogenetic location: 12p13.31.
Variant type: Duplication.
Coding change: c.532dup on transcript NM_001734.5 (MANE Select); coding-DNA position 532, one base duplicated (G; older notation c.532dupG).
Protein change: p.Asp178fs; shifts the reading frame from aspartic acid 178.
Molecular consequence: frameshift variant.
Genome position (GRCh38, 1-based): chr12:7,065,114, G duplicated; the last of 4 consecutive G bases (chr12:7,065,111-7,065,114); duplicating any one gives the same sequence. VCF-style (leftmost placement, unchanged base first): chr12-7065110-T-TG. GRCh37 (hg19) VCF-style: chr12-7172414-T-TG.
Other names: c.31dup, p.Asp11fs (NM_001346850.2); c.532dup, p.Asp178fs (NM_201442.4); short protein forms D178fs, D11fs.
Identifiers: ClinVar variation 1938833 (VCV001938833.5), dbSNP rs1555161899, ClinGen allele CA603487844.
Genomic context (GRCh38, chr12:7,065,110, plus strand): 5'-CCTTTGCTTGACCCTGTATTTGATTCTCCCTTTCTCTTTTTCTCTGTTAGTTAATTGCAG[T>TG]GGGGATGTATTCACTGCACTGATTGGGGAGATTGCAAGTCCCAATTATCCCAAACCATAT-3'

ClinVar aggregate classification (germline): Pathogenic (1 of 4 stars; one submission).

Submission:

Labcorp Genetics (formerly Invitae), Labcorp
Classification: Pathogenic. Last evaluated: 2025-12-13. Review status: criteria provided, single submitter. Criteria: Invitae Variant Classification Sherloc (09022015). Collection method: clinical testing. Allele origin: germline.
Comment: This sequence change creates a premature translational stop signal (p.Asp178Glyfs*26) in the C1S gene. It is expected to result in an absent or disrupted protein product. Loss-of-function variants in C1S are known to be pathogenic (PMID: 18062908). This variant is present in population databases (no rsID available, gnomAD 0.01%). This variant has not been reported in the literature in individuals affected with C1S-related conditions. ClinVar contains an entry for this variant (Variation ID: 1938833). For these reasons, this variant has been classified as Pathogenic.

Literature cited by the submitters: PubMed 18062908.